The following is an entry in ClinVar:

NM_001349206.2(LPIN1):c.264dup (p.Val89fs)

Gene: LPIN1 (lipin 1; plus strand). Cytogenetic location: 2p25.1.
Variant type: Duplication.
Coding change: c.264dup on transcript NM_001349206.2 (MANE Select); coding-DNA position 264, one base duplicated (T; older notation c.264dupT).
Protein change: p.Val89fs; shifts the reading frame from valine 89.
Molecular consequence: frameshift variant. On other transcripts: non-coding transcript variant (1).
Genome position (GRCh38, 1-based): chr2:11,767,834, T duplicated; the last of 6 consecutive T bases (chr2:11,767,829-11,767,834); duplicating any one gives the same sequence. VCF-style (leftmost placement, unchanged base first): chr2-11767828-A-AT. GRCh37 (hg19) VCF-style: chr2-11907954-A-AT.
Other names: c.282dup, p.Val95fs (NM_001261427.3); c.411dup, p.Val138fs (NM_001261428.3, NM_001349208.2); c.264dup, p.Val89fs (NM_001349199.2, NM_001349200.2, NM_001349201.2 and 5 more transcripts); c.354dup, p.Val119fs (NM_001349207.2); short protein forms V95fs, V119fs, V89fs, V138fs.
Identifiers: ClinVar variation 2089945 (VCV002089945.4), dbSNP rs1315818704, ClinGen allele CA2580063597.

ClinVar aggregate classification (germline): Pathogenic (1 of 4 stars; one submission).

Submission:

Labcorp Genetics (formerly Invitae), Labcorp
Classification: Pathogenic. Last evaluated: 2022-01-26. Review status: criteria provided, single submitter. Criteria: Invitae Variant Classification Sherloc (09022015). Collection method: clinical testing. Allele origin: germline.
Comment: For these reasons, this variant has been classified as Pathogenic. This variant has not been reported in the literature in individuals affected with LPIN1-related conditions. This variant is not present in population databases (gnomAD no frequency). This sequence change creates a premature translational stop signal (p.Val89Cysfs*6) in the LPIN1 gene. It is expected to result in an absent or disrupted protein product. Loss-of-function variants in LPIN1 are known to be pathogenic (PMID: 18817903, 20583302, 22481384, 26111941).

Literature cited by the submitters: PubMed 18817903; PubMed 20583302; PubMed 22481384; PubMed 26111941.